The following is an entry in ClinVar:

ClinVar aggregate classification (germline): Benign. Review status: criteria provided, multiple submitters, no conflicts (2 of 4 stars). 2 submissions from 2 submitters: Benign (2). Last evaluated 2024-11-01.

Allele frequency attached by ClinVar (database versions not stated): gnomAD 0.00030 and 0.00064; ESP Exome Variant Server 0.00031; TOPMed 0.00043; 1000 Genomes Project 0.00140; 1000 Genomes Project 30x 0.00141; gnomAD exomes 0.00171; ExAC 0.00197.
gnomAD v4.1: 1,643 of 1,614,192 alleles (0.1%); highest among the groups gnomAD compares: South Asian, 1.1%; 14 homozygotes.

Submissions (2):

CeGaT Center for Human Genetics Tuebingen
Classification: Benign. Last evaluated: 2024-11-01. Review status: criteria provided, single submitter. Criteria: CeGaT Center For Human Genetics Tuebingen Variant Classification Criteria Version 2. Collection method: clinical testing. Allele origin: germline. Affected: yes. Observed: 5 variant alleles.
Comment: ERAP1: BP4, BP7, BS1, BS2

Labcorp Genetics (formerly Invitae), Labcorp
Classification: Benign. Last evaluated: 2018-08-30. Review status: criteria provided, single submitter. Criteria: Invitae Variant Classification Sherloc (09022015). Collection method: clinical testing. Allele origin: germline.

NM_001040458.3(ERAP1):c.2367T>C (p.Tyr789=)

Gene: ERAP1 (endoplasmic reticulum aminopeptidase 1; minus strand). Cytogenetic location: 5q15.
Variant type: single nucleotide variant.
Coding change: c.2367T>C on transcript NM_001040458.3 (MANE Select); coding-DNA position 2367, T replaced by C.
Protein change: p.Tyr789=; no amino-acid change (tyrosine 789 retained).
Molecular consequence: synonymous variant.
Genome position (GRCh38, 1-based): chr5:96,781,773, A>G on the plus strand (T>C on the coding strand, the complement: ERAP1 is on the minus strand). VCF-style: chr5-96781773-A-G. GRCh37 (hg19) VCF-style: chr5-96117477-A-G.
Other names: c.2367T>C, p.Tyr789= (NM_001198541.3, NM_001349244.2, NM_016442.5).
Identifiers: ClinVar variation 714090 (VCV000714090.33), dbSNP rs142985224, ClinGen allele CA3351943.
Genomic context (GRCh38, chr5:96,781,773, plus strand): 5'-TTGGGTTCTGCAGAGGGCAAATTCAATTTGGCTTTTCTCAGTACTGGACAAAGAAAACTG[A>G]TATTTACTATAAAGAAAATCCCAGCCTTCTGTGCTCTGGGCCCCCACAGCAAACACTGCC-3'
Protein context (NP_001035548.1, residues 779-799): TEGWDFLYSK[Tyr789=]QFSLSSTEKS